The following is an entry in ClinVar:

NM_000535.7(PMS2):c.149G>C (p.Gly50Ala)

Gene: PMS2 (PMS1 homolog 2, mismatch repair system component; minus strand). Cytogenetic location: 7p22.1.
Variant type: single nucleotide variant.
Coding change: c.149G>C on transcript NM_000535.7 (MANE Select); coding-DNA position 149, G replaced by C.
Protein change: p.Gly50Ala; replaces glycine 50 with alanine.
Molecular consequence: missense variant. On other transcripts: 5 prime UTR variant (8), non-coding transcript variant (1), intron variant (3).
Genome position (GRCh38, 1-based): chr7:6,005,906, C>G on the plus strand (G>C on the coding strand, the complement: PMS2 is on the minus strand). VCF-style: chr7-6005906-C-G. GRCh37 (hg19) VCF-style: chr7-6045537-C-G.
Other names: c.-257G>C (NM_001018040.1, NM_001322003.2, NM_001322005.2 and 11 more transcripts); c.149G>C, p.Gly50Ala (NM_001322006.2, NM_001322014.2, NM_001406868.1 and 10 more transcripts); c.-67G>C (NM_001322007.2, NM_001406876.1, NM_001406883.1 and 4 more transcripts); c.-736G>C (NM_001322011.2, NM_001322012.2); c.-336G>C (NM_001322015.2, NM_001406875.1, NM_001406877.1 and 2 more transcripts); c.335G>C, p.Gly112Ala (NM_001406866.1); c.-283G>C (NM_001406880.1); c.-204G>C (NM_001406888.1, NM_001406889.1, NM_001406892.1 and 5 more transcripts); and 4 more; short protein forms G112A, G50A.
Identifiers: ClinVar variation 1773958 (VCV001773958.3), dbSNP rs539285592, ClinGen allele CA366744971.

ClinVar aggregate classification (germline): Uncertain significance (1 of 4 stars; one submission).

Conditions:
Hereditary cancer-predisposing syndrome. Also called: Hereditary Cancer Syndrome; Hereditary neoplastic syndrome; Neoplastic Syndromes, Hereditary; Tumor predisposition. Identifiers: Orphanet 140162, MedGen C0027672, MeSH D009386, MONDO:0015356.

gnomAD v4.1: 1 of 1,610,834 alleles (0.000062%); highest among the groups gnomAD compares: Non-Finnish European, 0.000085%; no homozygotes.

Submission:

Ambry Genetics
Classification: Uncertain significance for Hereditary cancer-predisposing syndrome. Last evaluated: 2024-09-12. Review status: criteria provided, single submitter. Criteria: Ambry Variant Classification Scheme 2023. Collection method: clinical testing. Allele origin: germline.
Comment: The p.G50A variant (also known as c.149G>C), located in coding exon 2 of the PMS2 gene, results from a G to C substitution at nucleotide position 149. The glycine at codon 50 is replaced by alanine, an amino acid with similar properties. This amino acid position is highly conserved in available vertebrate species. In addition, this alteration is predicted to be deleterious by in silico analysis. Based on the available evidence, the clinical significance of this variant remains unclear.